The following is an entry in ClinVar:

NM_001848.3(COL6A1):c.324C>T (p.Gly108=)

Gene: COL6A1 (collagen type VI alpha 1 chain; plus strand). Cytogenetic location: 21q22.3.
Variant type: single nucleotide variant.
Coding change: c.324C>T on transcript NM_001848.3 (MANE Select); coding-DNA position 324, C replaced by T.
Protein change: p.Gly108=; no amino-acid change (glycine 108 retained).
Molecular consequence: synonymous variant.
Genome position (GRCh38, 1-based): chr21:45,984,365, C>T. VCF-style: chr21-45984365-C-T. GRCh37 (hg19) VCF-style: chr21-47404279-C-T.
Identifiers: ClinVar variation 196329 (VCV000196329.59), dbSNP rs138646508, ClinGen allele CA243240.

ClinVar aggregate classification (germline): Benign/Likely benign. Review status: criteria provided, multiple submitters, no conflicts (2 of 4 stars). 7 submissions from 7 submitters: Benign (3); Likely benign (4). Last evaluated 2026-09-01.

Conditions:
Collagen 6-related myopathy. Identifiers: MedGen CN117976, MONDO:0100225.
Bethlem myopathy 1A. Also called: Bethlem Muscular Dystrophy; MYOPATHY, BENIGN CONGENITAL, WITH CONTRACTURES; Bethlem myopathy 1. Identifiers: Orphanet 610, MedGen CN029274, MONDO:0024530, OMIM 158810.

Allele frequency attached by ClinVar (database versions not stated): 1000 Genomes Project 30x 0.00031; 1000 Genomes Project 0.00040; TOPMed 0.00118; ESP Exome Variant Server 0.00123; gnomAD exomes 0.00177 and 0.00181; gnomAD 0.00185 and 0.00194; ExAC 0.00187.
gnomAD v4.1: 2,887 of 1,612,568 alleles (0.18%); highest among the groups gnomAD compares: Non-Finnish European, 0.19%; 13 homozygotes.

Submissions (7):

CeGaT Center for Human Genetics Tuebingen
Classification: Likely benign. Last evaluated: 2026-09-01. Review status: criteria provided, single submitter. Criteria: CeGaT Center For Human Genetics Tuebingen Variant Classification Criteria Version 2. Collection method: clinical testing. Allele origin: germline. Affected: yes. Observed: 16 variant alleles.
Comment: COL6A1: BP4, BP7

Labcorp Genetics (formerly Invitae), Labcorp
Classification: Benign for Bethlem myopathy 1A. Last evaluated: 2026-01-17. Review status: criteria provided, single submitter. Criteria: Invitae Variant Classification Sherloc (09022015). Collection method: clinical testing. Allele origin: germline.

Women's Health and Genetics/Laboratory Corporation of America, LabCorp
Classification: Likely benign. Last evaluated: 2025-02-10. Review status: criteria provided, single submitter. Criteria: LabCorp Variant Classification Summary - May 2015. Collection method: clinical testing. Allele origin: germline.

GeneDx
Classification: Likely benign. Last evaluated: 2021-03-30. Review status: criteria provided, single submitter. Criteria: GeneDx Variant Classification Process June 2021. Collection method: clinical testing. Allele origin: germline. Affected: yes.

Illumina Laboratory Services, Illumina
Classification: Benign for Collagen VI-related myopathy. Last evaluated: 2018-01-12. Review status: criteria provided, single submitter. Criteria: ICSL Variant Classification Criteria 13 December 2019. Collection method: clinical testing. Allele origin: germline.
Comment: This variant was observed in the ICSL laboratory as part of a predisposition screen in an ostensibly healthy population. It had not been previously curated by ICSL or reported in the Human Gene Mutation Database (HGMD: prior to June 1st, 2018), and was therefore a candidate for classification through an automated scoring system. Utilizing variant allele frequency, disease prevalence and penetrance estimates, and inheritance mode, an automated score was calculated to assess if this variant is too frequent to cause the disease. Based on the score and internal cut-off values, a variant classified as benign is not then subjected to further curation. The score for this variant resulted in a classification of benign for this disease.

Eurofins Ntd Llc (ga)
Classification: Benign. Last evaluated: 2016-06-27. Review status: criteria provided, single submitter. Criteria: EGL Classification Definitions 2015. Collection method: clinical testing. Allele origin: germline. Observed: 8 variant alleles, 8 heterozygotes.

Breakthrough Genomics
Classification: Likely benign. Review status: criteria provided, single submitter. Criteria: ACMG Guidelines, 2015. Collection method: not provided. Allele origin: germline. Inheritance: Autosomal recessive inheritance. Affected: yes.